The following is an entry in ClinVar:

NM_001102564.3(IFT43):c.10T>A (p.Leu4Met)

Gene: IFT43 (intraflagellar transport 43; plus strand). Cytogenetic location: 14q24.3.
Variant type: single nucleotide variant.
Coding change: c.10T>A on transcript NM_001102564.3 (MANE Select); coding-DNA position 10, T replaced by A.
Protein change: p.Leu4Met; replaces leucine 4 with methionine.
Molecular consequence: missense variant. On other transcripts: non-coding transcript variant (2).
Genome position (GRCh38, 1-based): chr14:75,985,796, T>A. VCF-style: chr14-75985796-T-A. GRCh37 (hg19) VCF-style: chr14-76452139-T-A.
Other names: c.10T>A, p.Leu4Met (NM_001255995.3, NM_052873.3); short protein forms L4M.
Identifiers: ClinVar variation 1525543 (VCV001525543.6), dbSNP rs1309782466, ClinGen allele CA390472805.

ClinVar aggregate classification (germline): Uncertain significance (1 of 4 stars; one submission).

Allele frequency attached by ClinVar (database versions not stated): TOPMed below 0.00001; gnomAD 0.00001; gnomAD exomes 0.00001.
gnomAD v4.1: 17 of 1,614,038 alleles (0.0011%); highest among the groups gnomAD compares: Non-Finnish European, 0.0014%; no homozygotes.

Submission:

Labcorp Genetics (formerly Invitae), Labcorp
Classification: Uncertain significance. Last evaluated: 2021-10-14. Review status: criteria provided, single submitter. Criteria: Invitae Variant Classification Sherloc (09022015). Collection method: clinical testing. Allele origin: germline.
Comment: In summary, the available evidence is currently insufficient to determine the role of this variant in disease. Therefore, it has been classified as a Variant of Uncertain Significance. Algorithms developed to predict the effect of missense changes on protein structure and function are either unavailable or do not agree on the potential impact of this missense change (SIFT: "Tolerated"; PolyPhen-2: "Not Available"; Align-GVGD: "Class C0"). This variant has not been reported in the literature in individuals affected with IFT43-related conditions. This variant is not present in population databases (ExAC no frequency). This sequence change replaces leucine with methionine at codon 4 of the IFT43 protein (p.Leu4Met). The leucine residue is weakly conserved and there is a small physicochemical difference between leucine and methionine.